The following is an entry in ClinVar:

NM_018191.4(RCBTB1):c.1271T>G (p.Phe424Cys)

Gene: RCBTB1 (RCC1 and BTB domain containing protein 1; minus strand). Cytogenetic location: 13q14.2.
Variant type: single nucleotide variant.
Coding change: c.1271T>G on transcript NM_018191.4 (MANE Select); coding-DNA position 1271, T replaced by G.
Protein change: p.Phe424Cys; replaces phenylalanine 424 with cysteine.
Molecular consequence: missense variant. On other transcripts: non-coding transcript variant (2).
Genome position (GRCh38, 1-based): chr13:49,541,729, A>C on the plus strand (T>G on the coding strand, the complement: RCBTB1 is on the minus strand). VCF-style: chr13-49541729-A-C. GRCh37 (hg19) VCF-style: chr13-50115865-A-C.
Other names: c.1271T>G, p.Phe424Cys (NM_001352500.2, NM_001352501.2, NM_001352502.2 and 2 more transcripts); c.692T>G, p.Phe231Cys (NM_001352506.2); short protein forms F231C, F424C.
Identifiers: ClinVar variation 842587 (VCV000842587.8), dbSNP rs756269937, ClinGen allele CA6982622.

ClinVar aggregate classification (germline): Uncertain significance. Review status: criteria provided, multiple submitters, no conflicts (2 of 4 stars). 2 submissions from 2 submitters: Uncertain significance (2). Last evaluated 2022-10-26.

Allele frequency attached by ClinVar (database versions not stated): ExAC 0.00001; gnomAD 0.00001; gnomAD exomes 0.00001; TOPMed 0.00002.
gnomAD v4.1: 8 of 1,613,978 alleles (0.0005%); highest among the groups gnomAD compares: Non-Finnish European, 0.00068%; no homozygotes.

Submissions (2):

Blueprint Genetics
Classification: Uncertain significance. Last evaluated: 2022-10-26. Review status: criteria provided, single submitter. Criteria: ACMG Guidelines, 2015. Collection method: clinical testing. Allele origin: germline.

Labcorp Genetics (formerly Invitae), Labcorp
Classification: Uncertain significance. Last evaluated: 2022-08-03. Review status: criteria provided, single submitter. Criteria: Invitae Variant Classification Sherloc (09022015). Collection method: clinical testing. Allele origin: germline.
Comment: This sequence change replaces phenylalanine, which is neutral and non-polar, with cysteine, which is neutral and slightly polar, at codon 424 of the RCBTB1 protein (p.Phe424Cys). This variant is present in population databases (rs756269937, gnomAD 0.0009%). This missense change has been observed in individual(s) with retinitis pigmentosa (Invitae). ClinVar contains an entry for this variant (Variation ID: 842587). Algorithms developed to predict the effect of missense changes on protein structure and function are either unavailable or do not agree on the potential impact of this missense change (SIFT: "Deleterious"; PolyPhen-2: "Probably Damaging"; Align-GVGD: "Class C0"). In summary, the available evidence is currently insufficient to determine the role of this variant in disease. Therefore, it has been classified as a Variant of Uncertain Significance.